The following is an entry in ClinVar:

ClinVar aggregate classification (germline): Pathogenic (1 of 4 stars; one submission).

Submission:

GeneDx
Classification: Pathogenic. Last evaluated: 2016-06-30. Review status: criteria provided, single submitter. Criteria: GeneDx Variant Classification (06012015). Collection method: clinical testing. Allele origin: germline. Affected: yes.
Comment: The c.929delC pathogenic variant in the NFIX gene causes a frameshift starting with codon Proline 310, changes this amino acid to a Glutamine residue and creates a premature Stop codon at position 22 of the new reading frame, denoted p.P310QfsX22. This pathogenic variant is predicted to cause loss of normal protein function either through protein truncation or nonsense-mediated mRNA decay.

NM_001365902.3(NFIX):c.905del (p.Pro302fs)

Gene: NFIX (nuclear factor I X; plus strand). Cytogenetic location: 19p13.13.
Variant type: Deletion.
Coding change: c.905del on transcript NM_001365902.3 (MANE Select); coding-DNA position 905, one base deleted (C; older notation c.905delC).
Protein change: p.Pro302fs; shifts the reading frame from proline 302.
Molecular consequence: frameshift variant.
Genome position (GRCh38, 1-based): chr19:13,075,621, C deleted; the last of 4 consecutive C bases (chr19:13,075,618-13,075,621); deleting any one gives the same sequence. VCF-style (leftmost placement, unchanged base first): chr19-13075617-TC-T. GRCh37 (hg19) VCF-style: chr19-13186431-TC-T.
Other names: c.929del, p.Pro310fs (NM_001271043.2); c.881del, p.Pro294fs (NM_001271044.3, NM_001378404.1); c.905del, p.Pro302fs (NM_001365982.2, NM_002501.4); c.764del, p.Pro255fs (NM_001365983.2); c.902del, p.Pro301fs (NM_001365984.2, NM_001365985.2); c.953del, p.Pro318fs (NM_001378405.1); c.929delC (NM_001271043.2); short protein forms P310fs, P301fs, P302fs, P255fs, P294fs, P318fs.
Identifiers: ClinVar variation 280662 (VCV000280662.2), dbSNP rs886041828, ClinGen allele CA10603517.
Genomic context (GRCh38, chr19:13,075,617, plus strand): 5'-ATCGATGACAGTGAGATGGAGAGCCCTGTTGATGACGTGTTCTATCCCGGGACAGGCCGT[TC>T]CCCAGCAGCTGGCAGCAGCCAGTCCAGCGGGTGGCCCAACGATGTGGATGCAGGTATGGG-3'